The following is an entry in ClinVar:

ClinVar aggregate classification (germline): Pathogenic (1 of 4 stars; one submission).

Submission:

Labcorp Genetics (formerly Invitae), Labcorp
Classification: Pathogenic. Last evaluated: 2023-05-15. Review status: criteria provided, single submitter. Criteria: Invitae Variant Classification Sherloc (09022015). Collection method: clinical testing. Allele origin: germline.
Comment: This sequence change creates a premature translational stop signal (p.Gln774*) in the CTNNA1 gene. It is expected to result in an absent or disrupted protein product. Loss-of-function variants in CTNNA1 are known to be pathogenic (PMID: 32051609, 34425242). This variant is not present in population databases (gnomAD no frequency). This variant has not been reported in the literature in individuals affected with CTNNA1-related conditions. ClinVar contains an entry for this variant (Variation ID: 1366961). For these reasons, this variant has been classified as Pathogenic.

Literature cited by the submitters: PubMed 32051609; PubMed 34425242.

NM_001903.5(CTNNA1):c.2320C>T (p.Gln774Ter)

Gene: CTNNA1 (catenin alpha 1; plus strand). Cytogenetic location: 5q31.2.
Variant type: single nucleotide variant.
Coding change: c.2320C>T on transcript NM_001903.5 (MANE Select); coding-DNA position 2320, C replaced by T.
Protein change: p.Gln774Ter; replaces glutamine 774 with a stop codon.
Molecular consequence: nonsense. On other transcripts: intron variant (1).
Genome position (GRCh38, 1-based): chr5:138,932,599, C>T. VCF-style: chr5-138932599-C-T. GRCh37 (hg19) VCF-style: chr5-138268288-C-T.
Other names: c.2320C>T, p.Gln774Ter (NM_001290307.3, NM_001323982.2, NM_001323983.1 and 2 more transcripts); c.2011C>T, p.Gln671Ter (NM_001290309.3); c.1951C>T, p.Gln651Ter (NM_001290310.3); c.1210C>T, p.Gln404Ter (NM_001290312.1, NM_001323987.1, NM_001323988.1 and 16 more transcripts); c.2227C>T, p.Gln743Ter (NM_001323986.2); c.871C>T, p.Gln291Ter (NM_001324006.1, NM_001324007.1, NM_001324008.1 and 2 more transcripts); c.1117C>T, p.Gln373Ter (NM_001324011.1); c.967C>T, p.Gln323Ter (NM_001324012.1, NM_001324013.1); and 1 more; short protein forms Q743*, Q651*, Q671*, Q774*, Q291*, Q323*, Q373*, Q404*.
Identifiers: ClinVar variation 1366961 (VCV001366961.6), dbSNP rs2150349160, ClinGen allele CA361134318.